The following is an entry in ClinVar:

ClinVar aggregate classification (germline): Conflicting classifications of pathogenicity. Review status: criteria provided, conflicting classifications (1 of 4 stars). 6 submissions from 6 submitters: Uncertain significance (1); Benign (1); Likely benign (4). Last evaluated 2026-01-28.

Conditions:
Papillary renal cell carcinoma type 1 (RCCP1). Also called: RENAL CELL CARCINOMA, PAPILLARY, 1, SOMATIC; Renal adenocarcinoma; Renal cell carcinoma 1; Renal cell carcinoma, somatic. Identifiers: Orphanet 47044, MedGen C1336839, OMIM 605074, HP:0011797.
Renal cell carcinoma. Identifiers: Orphanet 217071, MedGen C0007134, MeSH D002292, MONDO:0005086, HP:0005584.
Hereditary cancer-predisposing syndrome. Also called: Neoplastic Syndromes, Hereditary; Tumor predisposition; Hereditary neoplastic syndrome; Hereditary Cancer Syndrome. Identifiers: Orphanet 140162, MedGen C0027672, MeSH D009386, MONDO:0015356.

Allele frequency attached by ClinVar (database versions not stated): ExAC 0.00001; TOPMed 0.00001; gnomAD exomes 0.00002.
gnomAD v4.1: 20 of 1,613,974 alleles (0.0012%); highest among the groups gnomAD compares: East Asian, 0.0089%; no homozygotes.

Submissions (6):

Labcorp Genetics (formerly Invitae), Labcorp
Classification: Likely benign for Renal cell carcinoma. Last evaluated: 2026-01-28. Review status: criteria provided, single submitter. Criteria: Invitae Variant Classification Sherloc (09022015). Collection method: clinical testing. Allele origin: germline.

Center for Genomic Medicine, Rigshospitalet, Copenhagen University Hospital
Classification: Likely benign. Last evaluated: 2025-12-29. Review status: criteria provided, single submitter. Criteria: ACMG Guidelines, 2015. Collection method: clinical testing. Allele origin: germline.

Myriad Genetics, Inc.
Classification: Benign for Papillary renal cell carcinoma type 1. Last evaluated: 2024-11-15. Review status: criteria provided, single submitter. Criteria: Myriad Autosomal Dominant, Autosomal Recessive and X-Linked Classification Criteria (2023). Collection method: clinical testing. Allele origin: unknown.
Comment: This variant is considered benign. This variant is a silent/synonymous amino acid change and it is not expected to impact splicing.

Ambry Genetics
Classification: Likely benign for Hereditary cancer-predisposing syndrome. Last evaluated: 2020-06-30. Review status: criteria provided, single submitter. Criteria: Ambry Variant Classification Scheme 2023. Collection method: clinical testing. Allele origin: germline.

GeneDx
Classification: Likely benign. Last evaluated: 2018-03-16. Review status: criteria provided, single submitter. Criteria: GeneDx Variant Classification (06012015). Collection method: clinical testing. Allele origin: germline. Affected: yes.
Comment: This variant is considered likely benign or benign based on one or more of the following criteria: it is a conservative change, it occurs at a poorly conserved position in the protein, it is predicted to be benign by multiple in silico algorithms, and/or has population frequency not consistent with disease.

Illumina Laboratory Services, Illumina
Classification: Uncertain significance for Papillary renal cell carcinoma type 1. Last evaluated: 2018-01-13. Review status: criteria provided, single submitter. Criteria: ICSL Variant Classification Criteria 13 December 2019. Collection method: clinical testing. Allele origin: germline.

NM_000245.4(MET):c.4074C>T (p.Asn1358=)

Gene: MET (MET proto-oncogene, receptor tyrosine kinase; plus strand). Cytogenetic location: 7q31.2.
Variant type: single nucleotide variant.
Coding change: c.4074C>T on transcript NM_000245.4 (MANE Select); coding-DNA position 4074, C replaced by T.
Protein change: p.Asn1358=; no amino-acid change (asparagine 1358 retained).
Molecular consequence: synonymous variant.
Genome position (GRCh38, 1-based): chr7:116,796,025, C>T. VCF-style: chr7-116796025-C-T. GRCh37 (hg19) VCF-style: chr7-116436079-C-T.
Other names: c.4128C>T (LRG_662t1); c.4128C>T, p.Asn1376= (NM_001127500.3); c.2784C>T, p.Asn928= (NM_001324402.2).
Identifiers: ClinVar variation 358694 (VCV000358694.19), dbSNP rs772860611, ClinGen allele CA4448823.
Genomic context (GRCh38, chr7:116,796,025, plus strand): 5'-AGCGATCTTCTCTACTTTCATTGGGGAGCACTATGTCCATGTGAACGCTACTTATGTGAA[C>T]GTAAAATGTGTCGCTCCGTATCCTTCTCTGTTGTCATCAGAAGATAACGCTGATGATGAG-3'
Protein context (NP_000236.2, residues 1348-1368): HYVHVNATYV[Asn1358=]VKCVAPYPSL